The following is an entry in ClinVar:

ClinVar aggregate classification (germline): Likely benign. Review status: criteria provided, multiple submitters, no conflicts (2 of 4 stars). 3 submissions from 3 submitters: Likely benign (3). Last evaluated 2025-11-23.

Conditions:
ABCA4-related disorder. Also called: ABCA4-related disorders; ABCA4-related condition. Identifiers: MedGen CN239167.

Allele frequency attached by ClinVar (database versions not stated): gnomAD exomes 0.00003; ExAC 0.00005; TOPMed 0.00005; gnomAD 0.00008; ESP Exome Variant Server 0.00015.
gnomAD v4.1: 34 of 1,613,838 alleles (0.0021%); highest among the groups gnomAD compares: African/African-American, 0.0053%; no homozygotes.

Submissions (3):

Labcorp Genetics (formerly Invitae), Labcorp
Classification: Likely benign. Last evaluated: 2025-11-23. Review status: criteria provided, single submitter. Criteria: Invitae Variant Classification Sherloc (09022015). Collection method: clinical testing. Allele origin: germline.

PreventionGenetics, part of Exact Sciences
Classification: Likely benign for ABCA4-related condition. Last evaluated: 2024-12-06. Review status: criteria provided, single submitter. Criteria: ACMG Guidelines, 2015. Collection method: clinical testing. Allele origin: germline.
Comment: This variant is classified as likely benign based on ACMG/AMP sequence variant interpretation guidelines (Richards et al. 2015 PMID: 25741868, with internal and published modifications).

Blueprint Genetics
Classification: Likely benign. Last evaluated: 2022-12-27. Review status: criteria provided, single submitter. Criteria: ACMG Guidelines, 2015. Collection method: clinical testing. Allele origin: germline.

NM_000350.3(ABCA4):c.660C>T (p.Arg220=)

Gene: ABCA4 (ATP binding cassette subfamily A member 4; minus strand). Cytogenetic location: 1p22.1.
Variant type: single nucleotide variant.
Coding change: c.660C>T on transcript NM_000350.3 (MANE Select); coding-DNA position 660, C replaced by T.
Protein change: p.Arg220=; no amino-acid change (arginine 220 retained).
Molecular consequence: synonymous variant.
Genome position (GRCh38, 1-based): chr1:94,098,902, G>A on the plus strand (C>T on the coding strand, the complement: ABCA4 is on the minus strand). VCF-style: chr1-94098902-G-A. GRCh37 (hg19) VCF-style: chr1-94564458-G-A.
Other names: c.660C>T, p.Arg220= (NM_001425324.1); c.660C>T (NM_000350.2).
Identifiers: ClinVar variation 1150273 (VCV001150273.12), dbSNP rs369438631, ClinGen allele CA958777.